The following is an entry in ClinVar:

NM_001206927.2(DNAH8):c.12040C>G (p.Pro4014Ala)

Genes: DNAH8 (dynein axonemal heavy chain 8; plus strand), DNAH8-AS1 (DNAH8 antisense RNA 1; minus strand). Cytogenetic location: 6p21.2.
Variant type: single nucleotide variant.
Coding change: c.12040C>G on transcript NM_001206927.2 (MANE Select); coding-DNA position 12040, C replaced by G.
Protein change: p.Pro4014Ala; replaces proline 4014 with alanine.
Molecular consequence: missense variant.
Genome position (GRCh38, 1-based): chr6:38,945,499, C>G. VCF-style: chr6-38945499-C-G. GRCh37 (hg19) VCF-style: chr6-38913275-C-G.
Other names: c.11389C>G, p.Pro3797Ala (NM_001371.4); short protein forms P3797A, P4014A.
Identifiers: ClinVar variation 2834888 (VCV002834888.3), dbSNP rs762008200, ClinGen allele CA364022486.

ClinVar aggregate classification (germline): Uncertain significance (1 of 4 stars; one submission).

Conditions:
Primary ciliary dyskinesia. Also called: Ciliary dyskinesia. Identifiers: Orphanet 244, MedGen C0008780, MONDO:0016575, HP:0012265.

gnomAD v4.1: 1 of 1,614,172 alleles (0.000062%); highest among the groups gnomAD compares: Non-Finnish European, 0.000085%; no homozygotes.

Submission:

Labcorp Genetics (formerly Invitae), Labcorp
Classification: Uncertain significance for Primary ciliary dyskinesia. Last evaluated: 2024-01-04. Review status: criteria provided, single submitter. Criteria: Invitae Variant Classification Sherloc (09022015). Collection method: clinical testing. Allele origin: germline.
Comment: This sequence change replaces proline, which is neutral and non-polar, with alanine, which is neutral and non-polar, at codon 4014 of the DNAH8 protein (p.Pro4014Ala). This variant is not present in population databases (gnomAD no frequency). This variant has not been reported in the literature in individuals affected with DNAH8-related conditions. Advanced modeling of protein sequence and biophysical properties (such as structural, functional, and spatial information, amino acid conservation, physicochemical variation, residue mobility, and thermodynamic stability) performed at Invitae indicates that this missense variant is not expected to disrupt DNAH8 protein function with a negative predictive value of 80%. In summary, the available evidence is currently insufficient to determine the role of this variant in disease. Therefore, it has been classified as a Variant of Uncertain Significance.